The following is an entry in ClinVar:

ClinVar aggregate classification (germline): Uncertain significance (1 of 4 stars; one submission).

Submission:

Labcorp Genetics (formerly Invitae), Labcorp
Classification: Uncertain significance. Last evaluated: 2024-02-23. Review status: criteria provided, single submitter. Criteria: Invitae Variant Classification Sherloc (09022015). Collection method: clinical testing. Allele origin: germline.
Comment: This sequence change replaces methionine, which is neutral and non-polar, with valine, which is neutral and non-polar, at codon 2962 of the CENPF protein (p.Met2962Val). This variant is not present in population databases (gnomAD no frequency). This variant has not been reported in the literature in individuals affected with CENPF-related conditions. ClinVar contains an entry for this variant (Variation ID: 2093154). An algorithm developed to predict the effect of missense changes on protein structure and function (PolyPhen-2) suggests that this variant is likely to be tolerated. In summary, the available evidence is currently insufficient to determine the role of this variant in disease. Therefore, it has been classified as a Variant of Uncertain Significance.

NM_016343.4(CENPF):c.8884A>G (p.Met2962Val)

Gene: CENPF (centromere protein F; plus strand). Cytogenetic location: 1q41.
Variant type: single nucleotide variant.
Coding change: c.8884A>G on transcript NM_016343.4 (MANE Select); coding-DNA position 8884, A replaced by G.
Protein change: p.Met2962Val; replaces methionine 2962 with valine.
Molecular consequence: missense variant.
Genome position (GRCh38, 1-based): chr1:214,657,331, A>G. VCF-style: chr1-214657331-A-G. GRCh37 (hg19) VCF-style: chr1-214830674-A-G.
Other names: short protein forms M2962V.
Identifiers: ClinVar variation 2093154 (VCV002093154.4), dbSNP rs2528450009, ClinGen allele CA344857518.
Genomic context (GRCh38, chr1:214,657,331, plus strand): 5'-GGTAGAGGACCAACACCTGCTACCCCAGAGAGCTTTTCTAAAAAAAGCAAGAAAGCAGTC[A>G]TGAGTGGTATTCACCCTGCAGAAGACACGGAAGGTACTGAGTTTGAGCCAGAGGGACTTC-3'
Protein context (NP_057427.3, residues 2952-2972): SFSKKSKKAV[Met2962Val]SGIHPAEDTE